The following is an entry in ClinVar:

ClinVar aggregate classification (germline): Pathogenic (1 of 4 stars; one submission).

Conditions:
Hereditary cancer-predisposing syndrome. Also called: Neoplastic Syndromes, Hereditary; Tumor predisposition; Hereditary Cancer Syndrome; Hereditary neoplastic syndrome. Identifiers: Orphanet 140162, MedGen C0027672, MeSH D009386, MONDO:0015356.

Submission:

Ambry Genetics
Classification: Pathogenic for Hereditary cancer-predisposing syndrome. Last evaluated: 2020-06-17. Review status: criteria provided, single submitter. Criteria: Ambry Variant Classification Scheme 2023. Collection method: clinical testing. Allele origin: germline.
Comment: The c.3671delA pathogenic mutation, located in coding exon 24 of the RAD50 gene, results from a deletion of one nucleotide at nucleotide position 3671, causing a translational frameshift with a predicted alternate stop codon (p.N1224Tfs*29). This frameshift occurs at the 3' terminus of RAD50 and is not expected to trigger nonsense-mediated mRNA decay, however it is expected to produce an abnormal protein lacking a portion of the C-terminal that is an important ATPase domain (Williams GJ et al. DNA Repair (Amst.), 2010 Dec;9:1299-306). Based on the supporting evidence, this alteration is interpreted as a disease-causing mutation.

Literature cited by the submitters: PubMed 21035407.

NM_005732.4(RAD50):c.3671del (p.Asn1224fs)

Genes: TH2-LCR (Th2 cytokine locus control region; plus strand), TH2LCRR (T helper type 2 locus control region associated RNA; minus strand), RAD50 (RAD50 double strand break repair protein; plus strand). Cytogenetic location: 5q31.1.
Variant type: Deletion.
Coding change: c.3671del on transcript NM_005732.4 (MANE Select); coding-DNA position 3671, one base deleted (A; older notation c.3671delA).
Protein change: p.Asn1224fs; shifts the reading frame from asparagine 1224.
Molecular consequence: frameshift variant.
Genome position (GRCh38, 1-based): chr5:132,640,724, A deleted; the last of 2 consecutive A bases (chr5:132,640,723-132,640,724); deleting either gives the same sequence. VCF-style (leftmost placement, unchanged base first): chr5-132640722-CA-C. GRCh37 (hg19) VCF-style: chr5-131976414-CA-C.
Other names: short protein forms N1224fs.
Identifiers: ClinVar variation 1733796 (VCV001733796.2), dbSNP rs2479434954, ClinGen allele CA2580072764.
Genomic context (GRCh38, chr5:132,640,722, plus strand): 5'-TTTTTTCCAGGTATTAGCCTCACTCATCATTCGCCTGGCCCTGGCTGAAACGTTCTGCCT[CA>C]ACTGTGGCATCATTGCCTTGGATGAGCCAACAACAAATCTTGACCGAGAAAACATTGAAT-3'